The following is an entry in ClinVar:

NM_000256.3(MYBPC3):c.2733G>A (p.Glu911=)

Gene: MYBPC3 (myosin binding protein C3; minus strand). Cytogenetic location: 11p11.2.
Variant type: single nucleotide variant.
Coding change: c.2733G>A on transcript NM_000256.3 (MANE Select); coding-DNA position 2733, G replaced by A.
Protein change: p.Glu911=; no amino-acid change (glutamic acid 911 retained).
Molecular consequence: synonymous variant.
Genome position (GRCh38, 1-based): chr11:47,335,881, C>T on the plus strand (G>A on the coding strand, the complement: MYBPC3 is on the minus strand). VCF-style: chr11-47335881-C-T. GRCh37 (hg19) VCF-style: chr11-47357432-C-T.
Other names: c.2733G>A, p.Glu911= (LRG_386t1).
Identifiers: ClinVar variation 514313 (VCV000514313.8), dbSNP rs1385242275, ClinGen allele CA474214201.

ClinVar aggregate classification (germline): Likely benign. Review status: criteria provided, multiple submitters, no conflicts (2 of 4 stars). 3 submissions from 3 submitters: Likely benign (3). Last evaluated 2025-12-09.

Conditions:
Cardiomyopathy (CMYO). Also called: Cardiomyopathies. Identifiers: Orphanet 167848, MedGen C0878544, MONDO:0004994, HP:0001638. Inheritance: Various modes of inheritance.
Hypertrophic cardiomyopathy. Also called: HYPERTROPHIC MYOCARDIOPATHY. Identifiers: Orphanet 217569, MedGen C0007194, MeSH D002312, MONDO:0005045, HP:0001639.

gnomAD v4.1: 2 of 1,515,086 alleles (0.00013%); highest among the groups gnomAD compares: South Asian, 0.0025%; no homozygotes.

Submissions (3):

Labcorp Genetics (formerly Invitae), Labcorp
Classification: Likely benign for Hypertrophic cardiomyopathy. Last evaluated: 2025-12-09. Review status: criteria provided, single submitter. Criteria: Invitae Variant Classification Sherloc (09022015). Collection method: clinical testing. Allele origin: germline.

Color Diagnostics, LLC DBA Color Health
Classification: Likely benign for Cardiomyopathy. Last evaluated: 2025-04-19. Review status: criteria provided, single submitter. Criteria: ACMG Guidelines, 2015. Collection method: clinical testing. Allele origin: germline.

GeneDx
Classification: Likely benign. Last evaluated: 2017-12-21. Review status: criteria provided, single submitter. Criteria: GeneDx Variant Classification (06012015). Collection method: clinical testing. Allele origin: germline. Affected: yes.
Comment: This variant is considered likely benign or benign based on one or more of the following criteria: it is a conservative change, it occurs at a poorly conserved position in the protein, it is predicted to be benign by multiple in silico algorithms, and/or has population frequency not consistent with disease.